The following is an entry in ClinVar:

ClinVar aggregate classification (germline): Uncertain significance (1 of 4 stars; one submission).

Conditions:
Catecholaminergic polymorphic ventricular tachycardia (CVPT). Also called: Catecholamine-induced polymorphic ventricular tachycardia. Identifiers: Orphanet 3286, MedGen C5574922, MONDO:0017990.

Submission:

All of Us Research Program, National Institutes of Health
Classification: Uncertain significance for Catecholaminergic polymorphic ventricular tachycardia. Last evaluated: 2023-06-26. Review status: criteria provided, single submitter. Criteria: ACMG Guidelines, 2015. Collection method: clinical testing. Allele origin: germline. Inheritance: Autosomal dominant inheritance. Observed: 1 variant allele, 1 heterozygote.
Comment: This missense variant replaces leucine with serine at codon 3971 of the RYR2 protein. Computational prediction suggests that this variant may have deleterious impact on protein structure and function (internally defined REVEL score threshold >= 0.7, PMID: 27666373). To our knowledge, functional studies have not been reported for this variant. This variant has not been reported in individuals affected with RYR2-related disorders in the literature. This variant has not been identified in the general population by the Genome Aggregation Database (gnomAD). The available evidence is insufficient to determine the role of this variant in disease conclusively. Therefore, this variant is classified as a Variant of Uncertain Significance.

This study involves interpretation of variants in research participants for the purpose of population health screening. Participant phenotype was not available at the time of variant classification. Additional details can be found in publication PMID: 35346344, PMCID: PMC8962531

NM_001035.3(RYR2):c.11912T>C (p.Leu3971Ser)

Gene: RYR2 (ryanodine receptor 2; plus strand). Cytogenetic location: 1q43.
Variant type: single nucleotide variant.
Coding change: c.11912T>C on transcript NM_001035.3 (MANE Select); coding-DNA position 11912, T replaced by C.
Protein change: p.Leu3971Ser; replaces leucine 3971 with serine.
Molecular consequence: missense variant.
Genome position (GRCh38, 1-based): chr1:237,781,596, T>C. VCF-style: chr1-237781596-T-C. GRCh37 (hg19) VCF-style: chr1-237944896-T-C.
Other names: short protein forms L3971S.
Identifiers: ClinVar variation 3071810 (VCV003071810.1), dbSNP rs2527740513, ClinGen allele CA345410096.